The following is an entry in ClinVar:

NM_199420.4(POLQ):c.4964A>G (p.Asn1655Ser)

Gene: POLQ (DNA polymerase theta; minus strand). Cytogenetic location: 3q13.33.
Variant type: single nucleotide variant.
Coding change: c.4964A>G on transcript NM_199420.4 (MANE Select); coding-DNA position 4964, A replaced by G.
Protein change: p.Asn1655Ser; replaces asparagine 1655 with serine.
Molecular consequence: missense variant.
Genome position (GRCh38, 1-based): chr3:121,487,967, T>C on the plus strand (A>G on the coding strand, the complement: POLQ is on the minus strand). VCF-style: chr3-121487967-T-C. GRCh37 (hg19) VCF-style: chr3-121206814-T-C.
Other names: short protein forms N1655S.
Identifiers: ClinVar variation 3230028 (VCV003230028.1), dbSNP rs2546785314, ClinGen allele CA354092915.

ClinVar aggregate classification (germline): Uncertain significance (1 of 4 stars; one submission).

Submission:

Ambry Genetics
Classification: Uncertain significance. Last evaluated: 2024-02-02. Review status: criteria provided, single submitter. Criteria: Ambry Variant Classification Scheme 2023. Collection method: clinical testing. Allele origin: germline.
Comment: The p.N1655S variant (also known as c.4964A>G), located in coding exon 16 of the POLQ gene, results from an A to G substitution at nucleotide position 4964. The asparagine at codon 1655 is replaced by serine, an amino acid with highly similar properties. This amino acid position is conserved. In addition, this alteration is predicted to be tolerated by in silico analysis. Based on the available evidence, the clinical significance of this alteration remains unclear.